The following is an entry in ClinVar:

NM_000264.5(PTCH1):c.4321C>T (p.Pro1441Ser)

Gene: PTCH1 (patched 1; minus strand). Cytogenetic location: 9q22.32.
Variant type: single nucleotide variant.
Coding change: c.4321C>T on transcript NM_000264.5 (MANE Select); coding-DNA position 4321, C replaced by T.
Protein change: p.Pro1441Ser; replaces proline 1441 with serine.
Molecular consequence: missense variant. On other transcripts: non-coding transcript variant (1).
Genome position (GRCh38, 1-based): chr9:95,446,935, G>A on the plus strand (C>T on the coding strand, the complement: PTCH1 is on the minus strand). VCF-style: chr9-95446935-G-A. GRCh37 (hg19) VCF-style: chr9-98209217-G-A.
Other names: c.4123C>T, p.Pro1375Ser (NM_001083602.3); c.4318C>T, p.Pro1440Ser (NM_001083603.3); c.3868C>T, p.Pro1290Ser (NM_001083604.3, NM_001083605.3, NM_001083606.3 and 1 more transcripts); c.4165C>T, p.Pro1389Ser (NM_001354918.2); short protein forms P1375S, P1441S, P1389S, P1290S, P1440S.
Identifiers: ClinVar variation 216390 (VCV000216390.16), dbSNP rs746800536, ClinGen allele CA338309.

ClinVar aggregate classification (germline): Conflicting classifications of pathogenicity. Review status: criteria provided, conflicting classifications (1 of 4 stars). 5 submissions from 5 submitters: Uncertain significance (3); Likely benign (2). Last evaluated 2026-04-29.

Conditions:
Hereditary cancer-predisposing syndrome. Also called: Neoplastic Syndromes, Hereditary; Tumor predisposition; Hereditary Cancer Syndrome; Hereditary neoplastic syndrome. Identifiers: Orphanet 140162, MedGen C0027672, MeSH D009386, MONDO:0015356.
Basal cell carcinoma, susceptibility to, 1. Also called: BCC1. Identifiers: MedGen C2751544, MONDO:0011556, OMIM 605462.
Holoprosencephaly 7 (HPE7). Identifiers: Orphanet 2162, MedGen C1835820, MONDO:0012562, OMIM 610828.
Gorlin syndrome. Also called: Basal cell nevus syndrome; Nevoid Basal Cell Carcinoma Syndrome. Identifiers: Orphanet 377, MedGen C0004779, MONDO:0007187.

Allele frequency attached by ClinVar (database versions not stated): TOPMed 0.00001; ExAC 0.00002; gnomAD exomes 0.00002; gnomAD 0.00003.
gnomAD v4.1: 26 of 1,613,986 alleles (0.0016%); highest among the groups gnomAD compares: Non-Finnish European, 0.0021%; no homozygotes.

Submissions (5):

Ambry Genetics
Classification: Likely benign for Hereditary cancer-predisposing syndrome. Last evaluated: 2026-04-29. Review status: criteria provided, single submitter. Criteria: Ambry Variant Classification Scheme 2023. Collection method: clinical testing. Allele origin: germline.

Labcorp Genetics (formerly Invitae), Labcorp
Classification: Uncertain significance for Gorlin syndrome. Last evaluated: 2025-12-17. Review status: criteria provided, single submitter. Criteria: Invitae Variant Classification Sherloc (09022015). Collection method: clinical testing. Allele origin: germline.
Comment: This sequence change replaces proline, which is neutral and non-polar, with serine, which is neutral and polar, at codon 1441 of the PTCH1 protein (p.Pro1441Ser). This variant is present in population databases (rs746800536, gnomAD 0.004%). This variant has not been reported in the literature in individuals affected with PTCH1-related conditions. ClinVar contains an entry for this variant (Variation ID: 216390). Invitae Evidence Modeling of protein sequence and biophysical properties (such as structural, functional, and spatial information, amino acid conservation, physicochemical variation, residue mobility, and thermodynamic stability) indicates that this missense variant is not expected to disrupt PTCH1 protein function with a negative predictive value of 95%. In summary, the available evidence is currently insufficient to determine the role of this variant in disease. Therefore, it has been classified as a Variant of Uncertain Significance.

Blueprint Genetics
Classification: Likely benign. Last evaluated: 2024-10-09. Review status: criteria provided, single submitter. Criteria: ACMG Guidelines, 2015. Collection method: clinical testing. Allele origin: germline.

Fulgent Genetics
Classification: Uncertain significance for Basal cell nevus syndrome 1; Basal cell carcinoma, susceptibility to, 1; Holoprosencephaly 7. Last evaluated: 2022-04-21. Review status: criteria provided, single submitter. Criteria: ACMG Guidelines, 2015. Collection method: clinical testing. Allele origin: unknown.

Sema4
Classification: Uncertain significance for Hereditary cancer-predisposing syndrome. Last evaluated: 2021-08-18. Review status: criteria provided, single submitter. Criteria: Sema4 Curation Guidelines. Collection method: curation. Allele origin: germline.
Comment: The PTCH1 c.4321C>T (p.P1441S) variant has not been reported in literature to our knowledge. This variant observed in 5/128830 chromosomes in the Non-Finnish European population according to the Genome Aggregation Database (PMID: 32461654). This variant has been reported in ClinVar (Variation ID: 216390). Functional studies have not been performed, and in silico predictions of the variant's effect on protein function are inconclusive. The overall evidence is insufficient to meet ACMG/AMP criteria for classifying it as benign or pathogenic. In summary, the clinical significance of this variant is currently uncertain.